The following is an entry in ClinVar:

NM_001145026.2(PTPRQ):c.6001C>A (p.Leu2001Ile)

Gene: PTPRQ (protein tyrosine phosphatase receptor type Q; plus strand). Cytogenetic location: 12q21.31.
Variant type: single nucleotide variant.
Coding change: c.6001C>A on transcript NM_001145026.2 (MANE Select); coding-DNA position 6001, C replaced by A.
Protein change: p.Leu2001Ile; replaces leucine 2001 with isoleucine.
Molecular consequence: missense variant.
Genome position (GRCh38, 1-based): chr12:80,649,646, C>A. VCF-style: chr12-80649646-C-A. GRCh37 (hg19) VCF-style: chr12-81043425-C-A.
Other names: short protein forms L2001I.
Identifiers: ClinVar variation 1708565 (VCV001708565.2), dbSNP rs915509778, ClinGen allele CA240616800.

ClinVar aggregate classification (germline): Uncertain significance (1 of 4 stars; one submission).

Allele frequency attached by ClinVar (database versions not stated): TOPMed below 0.00001; gnomAD 0.00001; gnomAD exomes 0.00001.
gnomAD v4.1: 4 of 1,548,782 alleles (0.00026%); highest among the groups gnomAD compares: African/African-American, 0.0014%; no homozygotes.

Submission:

GeneDx
Classification: Uncertain significance. Last evaluated: 2022-04-05. Review status: criteria provided, single submitter. Criteria: GeneDx Variant Classification Process June 2021. Collection method: clinical testing. Allele origin: germline. Affected: yes.
Comment: Not observed at significant frequency in large population cohorts (gnomAD); In silico analysis supports that this missense variant does not alter protein structure/function; Has not been previously published as pathogenic or benign to our knowledge